The following is an entry in ClinVar:

ClinVar aggregate classification (germline): Uncertain significance (1 of 4 stars; one submission).

Conditions:
Progressive microcephaly-seizures-cortical blindness-developmental delay syndrome. Also called: Seizures, cortical blindness, and microcephaly syndrome. Identifiers: Orphanet 477814, MedGen C5567650, MONDO:0014714, OMIM 616632.
Autosomal dominant nonsyndromic hearing loss 1. Also called: DEAFNESS, AUTOSOMAL DOMINANT 1, WITH OR WITHOUT THROMBOCYTOPENIA; KONIGSMARK SYNDROME. Identifiers: Orphanet 90635, MedGen C1852282, MONDO:0007424, OMIM 124900.

Submission:

Labcorp Genetics (formerly Invitae), Labcorp
Classification: Uncertain significance for Progressive microcephaly-seizures-cortical blindness-developmental delay syndrome; Autosomal dominant nonsyndromic hearing loss 1. Last evaluated: 2025-04-29. Review status: criteria provided, single submitter. Criteria: Invitae Variant Classification Sherloc (09022015). Collection method: clinical testing. Allele origin: germline.
Comment: This sequence change replaces leucine, which is neutral and non-polar, with isoleucine, which is neutral and non-polar, at codon 343 of the DIAPH1 protein (p.Leu343Ile). This variant is not present in population databases (gnomAD no frequency). This variant has not been reported in the literature in individuals affected with DIAPH1-related conditions. Experimental studies and prediction algorithms are not available or were not evaluated, and the functional significance of this variant is currently unknown. In summary, the available evidence is currently insufficient to determine the role of this variant in disease. Therefore, it has been classified as a Variant of Uncertain Significance.

NM_005219.5(DIAPH1):c.1027C>A (p.Leu343Ile)

Gene: DIAPH1 (diaphanous related formin 1; minus strand). Cytogenetic location: 5q31.3.
Variant type: single nucleotide variant.
Coding change: c.1027C>A on transcript NM_005219.5 (MANE Select); coding-DNA position 1027, C replaced by A.
Protein change: p.Leu343Ile; replaces leucine 343 with isoleucine.
Molecular consequence: missense variant.
Genome position (GRCh38, 1-based): chr5:141,578,532, G>T on the plus strand (C>A on the coding strand, the complement: DIAPH1 is on the minus strand). VCF-style: chr5-141578532-G-T. GRCh37 (hg19) VCF-style: chr5-140958099-G-T.
Other names: c.1000C>A, p.Leu334Ile (NM_001079812.3); c.1027C>A, p.Leu343Ile (NM_001314007.2); short protein forms L334I, L343I.
Identifiers: ClinVar variation 4784866 (VCV004784866.1).
Genomic context (GRCh38, chr5:141,578,532, plus strand): 5'-GAAGGAACCAGTCTAGCCTTTCTAATGAAGTGTAATATCTTACCTGCAACACCTGATGTA[G>T]CCCCAAACGCATCAGTTCACTTCTGATGTGAACTCGGAAGTCAAGTTCCTCCGCTGGTGT-3'
Protein context (NP_005210.3, residues 333-353): HIRSELMRLG[Leu343Ile]HQVLQDLREI